The following is an entry in ClinVar:

ClinVar aggregate classification (germline): Uncertain significance (1 of 4 stars; one submission).

Conditions:
Emery-Dreifuss muscular dystrophy 4, autosomal dominant (EDMD4). Also called: EMERY-DREIFUSS MUSCULAR DYSTROPHY 4 WITH VARIABLE FEATURES. Identifiers: Orphanet 261, MedGen C2751807, MONDO:0013071, OMIM 612998.
Autosomal recessive ataxia, Beauce type. Also called: SYNE1-Related Autosomal Recessive Cerebellar Ataxia; Spinocerebellar ataxia, autosomal recessive 8; ATAXIA, RECESSIVE, OF BEAUCE; SYNE1 Deficiency. Identifiers: Orphanet 88644, MedGen C1853116, MONDO:0012549, OMIM 610743.

Submission:

Labcorp Genetics (formerly Invitae), Labcorp
Classification: Uncertain significance for Emery-Dreifuss muscular dystrophy 4, autosomal dominant; Autosomal recessive ataxia, Beauce type. Last evaluated: 2020-11-19. Review status: criteria provided, single submitter. Criteria: Invitae Variant Classification Sherloc (09022015). Collection method: clinical testing. Allele origin: germline.
Comment: In summary, the available evidence is currently insufficient to determine the role of this variant in disease. Therefore, it has been classified as a Variant of Uncertain Significance. Algorithms developed to predict the effect of missense changes on protein structure and function (SIFT, PolyPhen-2, Align-GVGD) all suggest that this variant is likely to be tolerated, but these predictions have not been confirmed by published functional studies and their clinical significance is uncertain. This variant has not been reported in the literature in individuals with SYNE1-related conditions. This variant is not present in population databases (ExAC no frequency). This sequence change replaces glutamine with lysine at codon 3873 of the SYNE1 protein (p.Gln3873Lys). The glutamine residue is moderately conserved and there is a small physicochemical difference between glutamine and lysine.

NM_182961.4(SYNE1):c.11662C>A (p.Gln3888Lys)

Gene: SYNE1 (spectrin repeat containing nuclear envelope protein 1; minus strand). Cytogenetic location: 6q25.2.
Variant type: single nucleotide variant.
Coding change: c.11662C>A on transcript NM_182961.4 (MANE Select); coding-DNA position 11662, C replaced by A.
Protein change: p.Gln3888Lys; replaces glutamine 3888 with lysine.
Molecular consequence: missense variant.
Genome position (GRCh38, 1-based): chr6:152,350,689, G>T on the plus strand (C>A on the coding strand, the complement: SYNE1 is on the minus strand). VCF-style: chr6-152350689-G-T. GRCh37 (hg19) VCF-style: chr6-152671824-G-T.
Other names: c.11617C>A, p.Gln3873Lys (NM_033071.5); short protein forms Q3873K, Q3888K.
Identifiers: ClinVar variation 1372271 (VCV001372271.8), dbSNP rs1590820792, ClinGen allele CA366118291.
Genomic context (GRCh38, chr6:152,350,689, plus strand): 5'-TGCACAGGTCCTGGTAATCACTTTGAAGTTGATCTATTTTGTCCTTTAAAGTGACGTCCT[G>T]CACCAGTTCCAAAAGAGCTTCACCCTTCTCTCTCACTGACTTTACTGATGGTTCATGGGA-3'
Protein context (NP_892006.3, residues 3878-3898): EKGEALLELV[Gln3888Lys]DVTLKDKIDQ